The following is an entry in ClinVar:

ClinVar aggregate classification (germline): Benign/Likely benign. Review status: criteria provided, multiple submitters, no conflicts (2 of 4 stars). 8 submissions from 8 submitters: Benign (3); Likely benign (4). 1 of the submissions does not count toward it. Last evaluated 2026-02-04.

Conditions:
Nemaline myopathy 2 (NEM2). Also called: Nemaline myopathy 2, autosomal recessive. Identifiers: MedGen C1850569, MONDO:0009725, OMIM 256030.

Allele frequency attached by ClinVar (database versions not stated): gnomAD exomes 0.00142 and 0.00238; ExAC 0.00239; gnomAD 0.00529 and 0.00547; ESP Exome Variant Server 0.00554; TOPMed 0.00583; 1000 Genomes Project 0.00659; 1000 Genomes Project 30x 0.00703.
gnomAD v4.1: 2,973 of 1,613,506 alleles (0.18%); highest among the groups gnomAD compares: African/African-American, 1.4%; 18 homozygotes.

Submissions (8):

Labcorp Genetics (formerly Invitae), Labcorp
Classification: Benign for Nemaline myopathy 2. Last evaluated: 2026-02-04. Review status: criteria provided, single submitter. Criteria: Invitae Variant Classification Sherloc (09022015). Collection method: clinical testing. Allele origin: germline.

Blueprint Genetics
Classification: Likely benign. Last evaluated: 2024-11-26. Review status: criteria provided, single submitter. Criteria: ACMG Guidelines, 2015. Collection method: clinical testing. Allele origin: germline.

Mayo Clinic Laboratories, Mayo Clinic
Classification: Benign. Last evaluated: 2018-04-04. Review status: criteria provided, single submitter. Criteria: ACMG Guidelines, 2015. Collection method: clinical testing. Allele origin: germline. Observed: 6 variant alleles.

Illumina Laboratory Services, Illumina
Classification: Likely benign for Nemaline myopathy 2. Last evaluated: 2018-01-12. Review status: criteria provided, single submitter. Criteria: ICSL Variant Classification Criteria 13 December 2019. Collection method: clinical testing. Allele origin: germline.
Comment: This variant was observed in the ICSL laboratory as part of a predisposition screen in an ostensibly healthy population. It had not been previously curated by ICSL or reported in the Human Gene Mutation Database (HGMD: prior to June 1st, 2018), and was therefore a candidate for classification through an automated scoring system. Utilizing variant allele frequency, disease prevalence and penetrance estimates, and inheritance mode, an automated score was calculated to assess if this variant is too frequent to cause the disease. Based on the score and internal cut-off values, a variant classified as likely benign is not then subjected to further curation. The score for this variant resulted in a classification of likely benign for this disease.

GeneDx
Classification: Benign. Last evaluated: 2016-11-17. Review status: criteria provided, single submitter. Criteria: GeneDx Variant Classification (06012015). Collection method: clinical testing. Allele origin: germline. Affected: yes.
Comment: This variant is considered likely benign or benign based on one or more of the following criteria: it is a conservative change, it occurs at a poorly conserved position in the protein, it is predicted to be benign by multiple in silico algorithms, and/or has population frequency not consistent with disease.

Breakthrough Genomics
Classification: Likely benign. Review status: criteria provided, single submitter. Criteria: ACMG Guidelines, 2015. Collection method: not provided. Allele origin: germline. Inheritance: Autosomal recessive inheritance. Affected: yes.

PreventionGenetics, part of Exact Sciences
Classification: Likely benign. Review status: criteria provided, single submitter. Criteria: ACMG Guidelines, 2015. Collection method: clinical testing. Allele origin: germline.

Natera, Inc.
Classification: Benign for Nemaline myopathy type 2. Last evaluated: 2020-09-16. Review status: no assertion criteria provided. Collection method: clinical testing. Allele origin: germline. Not counted in ClinVar's aggregate classification.

NM_001164508.2(NEB):c.5802C>T (p.Gly1934=)

Gene: NEB (nebulin; minus strand). Cytogenetic location: 2q23.3.
Variant type: single nucleotide variant.
Coding change: c.5802C>T on transcript NM_001164508.2 (MANE Select); coding-DNA position 5802, C replaced by T.
Protein change: p.Gly1934=; no amino-acid change (glycine 1934 retained).
Molecular consequence: synonymous variant.
Genome position (GRCh38, 1-based): chr2:151,662,303, G>A on the plus strand (C>T on the coding strand, the complement: NEB is on the minus strand). VCF-style: chr2-151662303-G-A. GRCh37 (hg19) VCF-style: chr2-152518817-G-A.
Other names: p.Gly1934=; c.5802C>T, p.Gly1934= (NM_001164507.2, NM_001271208.2, NM_004543.5).
Identifiers: ClinVar variation 257823 (VCV000257823.20), dbSNP rs139963368, ClinGen allele CA1910269.